The following is an entry in ClinVar:

ClinVar aggregate classification (germline): Uncertain significance (1 of 4 stars; one submission).

Conditions:
Familial cold autoinflammatory syndrome 3 (FCAS3). Also called: FAMILIAL ATYPICAL COLD URTICARIA; ANTIBODY DEFICIENCY AND IMMUNE DYSREGULATION, PLCG2-ASSOCIATED. Identifiers: Orphanet 300359, MedGen C3280914, MONDO:0013766, OMIM 614468.

Allele frequency attached by ClinVar (database versions not stated): ExAC 0.00001; gnomAD exomes 0.00001; TOPMed 0.00002; gnomAD 0.00003.
gnomAD v4.1: 17 of 1,607,024 alleles (0.0011%); highest among the groups gnomAD compares: Admixed American, 0.0017%; no homozygotes.

Submission:

Labcorp Genetics (formerly Invitae), Labcorp
Classification: Uncertain significance for Familial cold autoinflammatory syndrome 3. Last evaluated: 2022-10-23. Review status: criteria provided, single submitter. Criteria: Invitae Variant Classification Sherloc (09022015). Collection method: clinical testing. Allele origin: germline.
Comment: Algorithms developed to predict the effect of missense changes on protein structure and function (SIFT, PolyPhen-2, Align-GVGD) all suggest that this variant is likely to be tolerated. In summary, the available evidence is currently insufficient to determine the role of this variant in disease. Therefore, it has been classified as a Variant of Uncertain Significance. This variant has not been reported in the literature in individuals affected with PLCG2-related conditions. This variant is present in population databases (rs765793763, gnomAD 0.004%). This sequence change replaces arginine, which is basic and polar, with glutamine, which is neutral and polar, at codon 297 of the PLCG2 protein (p.Arg297Gln).

NM_002661.5(PLCG2):c.890G>A (p.Arg297Gln)

Gene: PLCG2 (phospholipase C gamma 2; plus strand). Cytogenetic location: 16q23.3.
Variant type: single nucleotide variant.
Coding change: c.890G>A on transcript NM_002661.5 (MANE Select); coding-DNA position 890, G replaced by A.
Protein change: p.Arg297Gln; replaces arginine 297 with glutamine.
Molecular consequence: missense variant.
Genome position (GRCh38, 1-based): chr16:81,891,494, G>A. VCF-style: chr16-81891494-G-A. GRCh37 (hg19) VCF-style: chr16-81925099-G-A.
Other names: short protein forms R297Q.
Identifiers: ClinVar variation 1972524 (VCV001972524.5), dbSNP rs765793763, ClinGen allele CA8193503.
Genomic context (GRCh38, chr16:81,891,494, plus strand): 5'-CAACGTGATGATTCGGTCTTCGTGTTTGACTCTTTTAGTTCCTCACGTACCTGTTTTCAC[G>A]AGAAAACAGCATCTGGGATGAGAAGTATGACGCGGTGGACATGCAGGACATGAACAACCC-3'
Protein context (NP_002652.2, residues 287-307): VDEFLTYLFS[Arg297Gln]ENSIWDEKYD